The following is an entry in ClinVar:

ClinVar aggregate classification (germline): Uncertain significance (1 of 4 stars; one submission).

Allele frequency attached by ClinVar (database versions not stated): TOPMed 0.00004; gnomAD 0.00005; ExAC 0.00008; gnomAD exomes 0.00009; 1000 Genomes Project 30x 0.00016; 1000 Genomes Project 0.00020.
gnomAD v4.1: 134 of 1,605,638 alleles (0.0083%); highest among the groups gnomAD compares: Non-Finnish European, 0.011%; no homozygotes.

Submissions (2):

Labcorp Genetics (formerly Invitae), Labcorp
Classification: Uncertain significance. Last evaluated: 2024-12-24. Review status: criteria provided, single submitter. Criteria: Invitae Variant Classification Sherloc (09022015). Collection method: clinical testing. Allele origin: germline.
Comment: This sequence change affects codon 1036 of the DIP2C mRNA. It is a 'silent' change, meaning that it does not change the encoded amino acid sequence of the DIP2C protein. It affects a nucleotide within the consensus splice site. This variant is present in population databases (rs201987227, gnomAD 0.02%). This variant has not been reported in the literature in individuals affected with DIP2C-related conditions. ClinVar contains an entry for this variant (Variation ID: 2892783). Algorithms developed to predict the effect of sequence changes on RNA splicing suggest that this variant may disrupt the consensus splice site. In summary, the available evidence is currently insufficient to determine the role of this variant in disease. Therefore, it has been classified as a Variant of Uncertain Significance.

Dr. Peter K. Rogan Lab, Western University
No classification provided (evidence only). Condition: Adrenocortical carcinoma, hereditary. Review status: no classification provided. Collection method: in vitro. Allele origin: not applicable. Functional consequence: retained intron. Not counted in ClinVar's aggregate classification.

NM_014974.3(DIP2C):c.3108A>G (p.Pro1036=)

Gene: DIP2C (DIP2 acetate--CoA ligase C (putative); minus strand). Cytogenetic location: 10p15.3.
Variant type: single nucleotide variant.
Coding change: c.3108A>G on transcript NM_014974.3 (MANE Select); coding-DNA position 3108, A replaced by G.
Protein change: p.Pro1036=; no amino-acid change (proline 1036 retained).
Molecular consequence: synonymous variant.
Genome position (GRCh38, 1-based): chr10:349,332, T>C on the plus strand (A>G on the coding strand, the complement: DIP2C is on the minus strand). VCF-style: chr10-349332-T-C. GRCh37 (hg19) VCF-style: chr10-395272-T-C.
Identifiers: ClinVar variation 2892783 (VCV002892783.4), dbSNP rs201987227, ClinGen allele CA5380141.